The following is an entry in ClinVar:

ClinVar aggregate classification (germline): Conflicting classifications of pathogenicity. Review status: criteria provided, conflicting classifications (1 of 4 stars). 3 submissions from 3 submitters: Uncertain significance (2); Likely benign (1). Last evaluated 2024-04-25.

Conditions:
Spastic paraplegia. Identifiers: MedGen C0037772, HP:0001258.

Allele frequency attached by ClinVar (database versions not stated): ExAC 0.00002; gnomAD exomes 0.00001 and 0.00002; TOPMed 0.00003; gnomAD 0.00002.
gnomAD v4.1: 6 of 1,210,260 alleles (0.0005%); highest among the groups gnomAD compares: Non-Finnish European, 0.00056%; no homozygotes.

Submissions (4):

Labcorp Genetics (formerly Invitae), Labcorp
Classification: Uncertain significance for Spastic paraplegia. Last evaluated: 2024-04-25. Review status: criteria provided, single submitter. Criteria: Invitae Variant Classification Sherloc (09022015). Collection method: clinical testing. Allele origin: germline.
Comment: This sequence change replaces glutamic acid, which is acidic and polar, with alanine, which is neutral and non-polar, at codon 792 of the KDM5C protein (p.Glu792Ala). This variant is present in population databases (rs782426227, gnomAD 0.003%). This variant has not been reported in the literature in individuals affected with KDM5C-related conditions. ClinVar contains an entry for this variant (Variation ID: 447649). Advanced modeling of protein sequence and biophysical properties (such as structural, functional, and spatial information, amino acid conservation, physicochemical variation, residue mobility, and thermodynamic stability) performed at Invitae indicates that this missense variant is not expected to disrupt KDM5C protein function with a negative predictive value of 95%. In summary, the available evidence is currently insufficient to determine the role of this variant in disease. Therefore, it has been classified as a Variant of Uncertain Significance.

GeneDx
Classification: Likely benign. Last evaluated: 2019-06-11. Review status: criteria provided, single submitter. Criteria: GeneDx Variant Classification Process June 2021. Collection method: clinical testing. Allele origin: germline. Affected: yes.
Comment: In silico analysis, which includes protein predictors and evolutionary conservation, supports that this variant does not alter protein structure/function; Has not been previously published as pathogenic or benign to our knowledge

Athena Diagnostics
Classification: Uncertain significance. Last evaluated: 2016-11-11. Review status: criteria provided, single submitter. Criteria: Athena Diagnostics Criteria. Collection method: clinical testing. Allele origin: germline.

Dr. Peter K. Rogan Lab, Western University
No classification provided (evidence only). Condition: Melanoma. Review status: no classification provided. Collection method: in vitro. Allele origin: not applicable. Functional consequence: retained intron. Not counted in ClinVar's aggregate classification.

NM_004187.5(KDM5C):c.2375A>C (p.Glu792Ala)

Gene: KDM5C (lysine demethylase 5C; minus strand). Cytogenetic location: Xp11.22.
Variant type: single nucleotide variant.
Coding change: c.2375A>C on transcript NM_004187.5 (MANE Select); coding-DNA position 2375, A replaced by C.
Protein change: p.Glu792Ala; replaces glutamic acid 792 with alanine.
Molecular consequence: missense variant. On other transcripts: non-coding transcript variant (3).
Genome position (GRCh38, 1-based): chrX:53,198,631, T>G on the plus strand (A>C on the coding strand, the complement: KDM5C is on the minus strand). VCF-style: chrX-53198631-T-G. GRCh37 (hg19) VCF-style: chrX-53227813-T-G.
Other names: c.2174A>C, p.Glu725Ala (NM_001146702.2); c.2372A>C, p.Glu791Ala (NM_001282622.3, NM_001353979.2, NM_001353982.2); c.2375A>C, p.Glu792Ala (NM_001353978.3, NM_001353981.2, NM_001353984.2); short protein forms E792A, E725A, E791A.
Identifiers: ClinVar variation 447649 (VCV000447649.13), dbSNP rs782426227, ClinGen allele CA10419387.